The following is an entry in ClinVar:

ClinVar aggregate classification (germline): Uncertain significance. Review status: criteria provided, multiple submitters, no conflicts (2 of 4 stars). 2 submissions from 2 submitters: Uncertain significance (2). Last evaluated 2025-09-01.

Conditions:
Emery-Dreifuss muscular dystrophy 5, autosomal dominant (EDMD5). Also called: EMERY-DREIFUSS MUSCULAR DYSTROPHY 5. Identifiers: Orphanet 261, MedGen C2751805, MONDO:0013072, OMIM 612999.

Allele frequency attached by ClinVar (database versions not stated): gnomAD exomes below 0.00001; ExAC 0.00001; gnomAD 0.00001; TOPMed 0.00001.
gnomAD v4.1: 9 of 1,613,904 alleles (0.00056%); highest among the groups gnomAD compares: Non-Finnish European, 0.00068%; no homozygotes.

Submissions (2):

Ambry Genetics
Classification: Uncertain significance. Last evaluated: 2025-09-01. Review status: criteria provided, single submitter. Criteria: Ambry Variant Classification Scheme 2023. Collection method: clinical testing. Allele origin: germline.

Labcorp Genetics (formerly Invitae), Labcorp
Classification: Uncertain significance for Emery-Dreifuss muscular dystrophy 5, autosomal dominant. Last evaluated: 2022-10-17. Review status: criteria provided, single submitter. Criteria: Invitae Variant Classification Sherloc (09022015). Collection method: clinical testing. Allele origin: germline.
Comment: In summary, the available evidence is currently insufficient to determine the role of this variant in disease. Therefore, it has been classified as a Variant of Uncertain Significance. Algorithms developed to predict the effect of missense changes on protein structure and function are either unavailable or do not agree on the potential impact of this missense change (SIFT: "Tolerated"; PolyPhen-2: "Probably Damaging"; Align-GVGD: "Class C0"). This variant has not been reported in the literature in individuals affected with SYNE2-related conditions. This variant is present in population databases (rs769943949, gnomAD 0.002%). This sequence change replaces tyrosine, which is neutral and polar, with histidine, which is basic and polar, at codon 4526 of the SYNE2 protein (p.Tyr4526His).

NM_182914.3(SYNE2):c.13576T>C (p.Tyr4526His)

Gene: SYNE2 (spectrin repeat containing nuclear envelope protein 2; plus strand). Cytogenetic location: 14q23.2.
Variant type: single nucleotide variant.
Coding change: c.13576T>C on transcript NM_182914.3 (MANE Select); coding-DNA position 13576, T replaced by C.
Protein change: p.Tyr4526His; replaces tyrosine 4526 with histidine.
Molecular consequence: missense variant.
Genome position (GRCh38, 1-based): chr14:64,126,348, T>C. VCF-style: chr14-64126348-T-C. GRCh37 (hg19) VCF-style: chr14-64593066-T-C.
Other names: c.13576T>C, p.Tyr4526His (NM_015180.6); c.13576T>C (NM_182914.2); short protein forms Y4526H.
Identifiers: ClinVar variation 2036978 (VCV002036978.5), dbSNP rs769943949, ClinGen allele CA7222502.